The following is an entry in ClinVar:

ClinVar aggregate classification (germline): Pathogenic. Review status: criteria provided, multiple submitters, no conflicts (2 of 4 stars). 2 submissions from 2 submitters: Pathogenic (2). Last evaluated 2022-12-29.
ClinVar aggregate classification (oncogenicity): Likely oncogenic (1 of 4 stars; one submission).

Conditions:
Hereditary cancer-predisposing syndrome. Also called: Neoplastic Syndromes, Hereditary; Tumor predisposition; Hereditary Cancer Syndrome; Hereditary neoplastic syndrome. Identifiers: Orphanet 140162, MedGen C0027672, MeSH D009386, MONDO:0015356.
Neoplasm. Also called: tumor; Neoplasm (disease); Neoplasms. Identifiers: MedGen C0027651, MeSH D009369, MONDO:0005070, HP:0002664.

Submissions (3):

Center for Genomic Medicine, Rigshospitalet, Copenhagen University Hospital
Classification: Likely oncogenic for Neoplasm. Last evaluated: 2026-10-16. Review status: criteria provided, single submitter. Criteria: ClinGen/CGC/VICC Guidelines for Oncogenicity, 2022. Collection method: clinical testing. Allele origin: somatic. Affected: yes.

Ambry Genetics
Classification: Pathogenic for Hereditary cancer-predisposing syndrome. Last evaluated: 2022-12-29. Review status: criteria provided, single submitter. Criteria: Ambry Variant Classification Scheme 2023. Collection method: clinical testing. Allele origin: germline.
Comment: The c.157delG pathogenic mutation, located in coding exon 1 of the STK11 gene, results from a deletion of one nucleotide at nucleotide position 157, causing a translational frameshift with a predicted alternate stop codon (p.D53Tfs*11). This alteration was identified in an individual with a clinical diagnosis of Peutz-Jeghers syndrome (PJS) (Jiang YL et al. Cancer Genet, 2019 Jan;230:47-57). This variant is considered to be rare based on population cohorts in the Genome Aggregation Database (gnomAD). In addition to the clinical data presented in the literature, this alteration is expected to result in loss of function by premature protein truncation or nonsense-mediated mRNA decay. As such, this alteration is interpreted as a disease-causing mutation.

Mayo Clinic Laboratories, Mayo Clinic
Classification: Pathogenic. Last evaluated: 2022-08-05. Review status: criteria provided, single submitter. Criteria: ACMG Guidelines, 2015. Collection method: clinical testing. Allele origin: germline. Observed: 527 variant alleles.
Comment: PP4, PM2, PVS1

Literature cited by the submitters: PubMed 30528796 (cited by Ambry Genetics and Mayo Clinic Laboratories, Mayo Clinic).

NM_000455.5(STK11):c.157del (p.Asp53fs)

Gene: STK11 (serine/threonine kinase 11; plus strand). Cytogenetic location: 19p13.3.
Variant type: Deletion.
Coding change: c.157del on transcript NM_000455.5 (MANE Select); coding-DNA position 157, one base deleted (G; older notation c.157delG).
Protein change: p.Asp53fs; shifts the reading frame from aspartic acid 53.
Molecular consequence: frameshift variant. On other transcripts: non-coding transcript variant (1).
Genome position (GRCh38, 1-based): chr19:1,207,070, G deleted; the last of 5 consecutive G bases (chr19:1,207,066-1,207,070); deleting any one gives the same sequence. VCF-style (leftmost placement, unchanged base first): chr19-1207065-TG-T. GRCh37 (hg19) VCF-style: chr19-1207064-TG-T.
Other names: p.Asp53Thrfs*11; c.157delG (NM_000455.5); c.157del, p.Asp53fs (NM_001407255.1); short protein forms D53fs.
Identifiers: ClinVar variation 2474945 (VCV002474945.4), dbSNP rs1131690917, ClinGen allele CA504706179.